The following is an entry in ClinVar:

ClinVar aggregate classification (germline): Likely pathogenic (1 of 4 stars; one submission).

Submission:

GeneDx
Classification: Likely pathogenic. Last evaluated: 2022-04-08. Review status: criteria provided, single submitter. Criteria: GeneDx Variant Classification Process June 2021. Collection method: clinical testing. Allele origin: germline. Affected: yes.
Comment: Not observed at significant frequency in large population cohorts (gnomAD); In-frame deletion of 5 amino acids in a non-repeat region; In silico analysis, which includes protein predictors and evolutionary conservation, supports a deleterious effect; Has not been previously published as pathogenic or benign to our knowledge

NM_006516.4(SLC2A1):c.292_306del (p.Met98_Leu102del)

Gene: SLC2A1 (solute carrier family 2 member 1; minus strand). Cytogenetic location: 1p34.2.
Variant type: Deletion.
Coding change: c.292_306del on transcript NM_006516.4 (MANE Select); coding-DNA positions 292 to 306, 15 bases deleted (ATGATGAACCTGCTG).
Protein change: p.Met98_Leu102del.
Molecular consequence: inframe deletion.
Genome position (GRCh38, 1-based): chr1:42,930,836-42,930,850, CAGCAGGTTCATCAT deleted on the plus strand (ATGATGAACCTGCTG on the coding strand, the reverse complement: SLC2A1 is on the minus strand); deleting any 15 consecutive bases within chr1:42,930,836-42,930,855 gives the same sequence; the c. name uses the placement nearest the transcript's 3' end. VCF-style (leftmost placement, unchanged base first): chr1-42930835-CCAGCAGGTTCATCAT-C. GRCh37 (hg19) VCF-style: chr1-43396506-CCAGCAGGTTCATCAT-C.
Identifiers: ClinVar variation 1312390 (VCV001312390.3), dbSNP rs2124450429, ClinGen allele CA2573051570.